The following is an entry in ClinVar:

NM_014423.4(AFF4):c.3107A>T (p.Tyr1036Phe)

Gene: AFF4 (ALF transcription elongation factor 4; minus strand). Cytogenetic location: 5q31.1.
Variant type: single nucleotide variant.
Coding change: c.3107A>T on transcript NM_014423.4 (MANE Select); coding-DNA position 3107, A replaced by T.
Protein change: p.Tyr1036Phe; replaces tyrosine 1036 with phenylalanine.
Molecular consequence: missense variant.
Genome position (GRCh38, 1-based): chr5:132,885,112, T>A on the plus strand (A>T on the coding strand, the complement: AFF4 is on the minus strand). VCF-style: chr5-132885112-T-A. GRCh37 (hg19) VCF-style: chr5-132220804-T-A.
Other names: short protein forms Y1036F.
Identifiers: ClinVar variation 2634293 (VCV002634293.6), dbSNP rs754955298, ClinGen allele CA3408738.

ClinVar aggregate classification (germline): Uncertain significance. Review status: criteria provided, multiple submitters, no conflicts (2 of 4 stars). 3 submissions from 3 submitters: Uncertain significance (3). Last evaluated 2025-11-08.

Conditions:
Cognitive impairment - coarse facies - heart defects - obesity - pulmonary involvement - short stature - skeletal dysplasia syndrome. Also called: COGNITIVE IMPAIRMENT, COARSE FACIES, HEART DEFECTS, OBESITY, PULMONARY INVOLVEMENT, SHORT STATURE, AND SKELETAL DYSPLASIA; Chops syndrome; AFF4-Related CHOPS Syndrome. Identifiers: Orphanet 444077, MedGen C4085597, MONDO:0014609, OMIM 616368.
AFF4-related disorder. Also called: AFF4-related condition.
Inborn genetic diseases. Identifiers: MedGen C0950123, MeSH D030342.

Allele frequency attached by ClinVar (database versions not stated): ExAC 0.00002; TOPMed 0.00004; gnomAD 0.00006.
gnomAD v4.1: 17 of 1,595,362 alleles (0.0011%); highest among the groups gnomAD compares: African/African-American, 0.022%; no homozygotes.

Submissions (3):

Ambry Genetics
Classification: Uncertain significance for Inborn genetic diseases. Last evaluated: 2025-11-08. Review status: criteria provided, single submitter. Criteria: Ambry Variant Classification Scheme 2023. Collection method: clinical testing. Allele origin: germline.

PreventionGenetics, part of Exact Sciences
Classification: Uncertain significance for AFF4-related condition. Last evaluated: 2024-12-26. Review status: criteria provided, single submitter. Criteria: ACMG Guidelines, 2015. Collection method: clinical testing. Allele origin: germline.
Comment: The AFF4 c.3107A>T variant is predicted to result in the amino acid substitution p.Tyr1036Phe. To our knowledge, this variant has not been reported in the literature. This variant is reported in 0.021% of alleles in individuals of African descent in gnomAD. Although we suspect that this variant may be benign, at this time, the clinical significance of this variant is uncertain due to the absence of conclusive functional and genetic evidence.

Labcorp Genetics (formerly Invitae), Labcorp
Classification: Uncertain significance for Cognitive impairment - coarse facies - heart defects - obesity - pulmonary involvement - short stature - skeletal dysplasia syndrome. Last evaluated: 2024-09-03. Review status: criteria provided, single submitter. Criteria: Invitae Variant Classification Sherloc (09022015). Collection method: clinical testing. Allele origin: germline.
Comment: This sequence change replaces tyrosine, which is neutral and polar, with phenylalanine, which is neutral and non-polar, at codon 1036 of the AFF4 protein (p.Tyr1036Phe). This variant is present in population databases (rs754955298, gnomAD 0.02%). This variant has not been reported in the literature in individuals affected with AFF4-related conditions. ClinVar contains an entry for this variant (Variation ID: 2634293). Invitae Evidence Modeling of protein sequence and biophysical properties (such as structural, functional, and spatial information, amino acid conservation, physicochemical variation, residue mobility, and thermodynamic stability) indicates that this missense variant is not expected to disrupt AFF4 protein function with a negative predictive value of 80%. In summary, the available evidence is currently insufficient to determine the role of this variant in disease. Therefore, it has been classified as a Variant of Uncertain Significance.